The following is an entry in ClinVar:

NM_016604.4(KDM3B):c.1060A>G (p.Ile354Val)

Gene: KDM3B (lysine demethylase 3B; plus strand). Cytogenetic location: 5q31.2.
Variant type: single nucleotide variant.
Coding change: c.1060A>G on transcript NM_016604.4 (MANE Select); coding-DNA position 1060, A replaced by G.
Protein change: p.Ile354Val; replaces isoleucine 354 with valine.
Molecular consequence: missense variant.
Genome position (GRCh38, 1-based): chr5:138,386,301, A>G. VCF-style: chr5-138386301-A-G. GRCh37 (hg19) VCF-style: chr5-137721990-A-G.
Other names: short protein forms I354V.
Identifiers: ClinVar variation 2263415 (VCV002263415.4), dbSNP rs200556196, ClinGen allele CA3428839.

ClinVar aggregate classification (germline): Likely benign. Review status: criteria provided, single submitter (1 of 4 stars). 2 submissions from 2 submitters: Likely benign (1). 1 of the submissions does not count toward it. Last evaluated 2022-05-18.

Conditions:
Inborn genetic diseases. Identifiers: MedGen C0950123, MeSH D030342.
KDM3B-related disorder. Also called: KDM3B-related condition.

Allele frequency attached by ClinVar (database versions not stated): ESP Exome Variant Server 0.00008; ExAC 0.00015; TOPMed 0.00019; gnomAD 0.00020; gnomAD exomes 0.00035.
gnomAD v4.1: 531 of 1,614,108 alleles (0.033%); highest among the groups gnomAD compares: Non-Finnish European, 0.043%; no homozygotes.

Submissions (2):

Ambry Genetics
Classification: Likely benign for Inborn genetic diseases. Last evaluated: 2022-05-18. Review status: criteria provided, single submitter. Criteria: Ambry Variant Classification Scheme 2023. Collection method: clinical testing. Allele origin: germline.

PreventionGenetics, part of Exact Sciences
Classification: Likely benign for KDM3B-related condition. Last evaluated: 2023-05-23. Review status: no assertion criteria provided. Collection method: clinical testing. Allele origin: germline. Not counted in ClinVar's aggregate classification.
Comment: This variant is classified as likely benign based on ACMG/AMP sequence variant interpretation guidelines (Richards et al. 2015 PMID: 25741868, with internal and published modifications).